The following is an entry in ClinVar:

ClinVar aggregate classification (germline): Uncertain significance (1 of 4 stars; one submission).

Submission:

Women's Health and Genetics/Laboratory Corporation of America, LabCorp
Classification: Uncertain significance. Last evaluated: 2024-11-22. Review status: criteria provided, single submitter. Criteria: LabCorp Variant Classification Summary - May 2015. Collection method: clinical testing. Allele origin: germline.
Comment: Variant summary: NPHP3 c.3127T>G (p.Tyr1043Asp) results in a non-conservative amino acid change located in the Tetratricopeptide repeats domain (IPR019734) of the encoded protein sequence. Four of five in-silico tools predict a damaging effect of the variant on protein function. Several computational tools predict a significant impact on normal splicing: Three predict the variant weakens the canonical 3' acceptor site. One predict the variant creates a cryptic 3' acceptor site. However, these predictions have yet to be confirmed by functional studies. The variant allele was found at a frequency of 4.2e-06 in 236458 control chromosomes. The available data on variant occurrences in the general population are insufficient to allow any conclusion about variant significance. To our knowledge, no occurrence of c.3127T>G in individuals affected with Joubert Syndrome And Related Disorders and no experimental evidence demonstrating its impact on protein function have been reported. No submitters have cited clinical-significance assessments for this variant to ClinVar. Based on the evidence outlined above, the variant was classified as uncertain significance.

NM_153240.5(NPHP3):c.3127T>G (p.Tyr1043Asp)

Genes: NPHP3 (nephrocystin 3; minus strand), NPHP3-ACAD11 (NPHP3-ACAD11 readthrough (NMD candidate); minus strand). Cytogenetic location: 3q22.1.
Variant type: single nucleotide variant.
Coding change: c.3127T>G on transcript NM_153240.5 (MANE Select); coding-DNA position 3127, T replaced by G.
Protein change: p.Tyr1043Asp; replaces tyrosine 1043 with aspartic acid.
Molecular consequence: missense variant. On other transcripts: non-coding transcript variant (1).
Genome position (GRCh38, 1-based): chr3:132,687,225, A>C on the plus strand (T>G on the coding strand, the complement: NPHP3 is on the minus strand). VCF-style: chr3-132687225-A-C. GRCh37 (hg19) VCF-style: chr3-132406069-A-C.
Other names: short protein forms Y1043D.
Identifiers: ClinVar variation 3629922 (VCV003629922.1).